The following is an entry in ClinVar:

ClinVar aggregate classification (germline): Likely benign (0 of 4 stars; one submission).

Conditions:
DIPK2B-related disorder. Also called: DIPK2B-related condition.

Allele frequency attached by ClinVar (database versions not stated): gnomAD exomes 0.00012; ExAC 0.00049; ESP Exome Variant Server 0.00123; gnomAD 0.00135; TOPMed 0.00153; 1000 Genomes Project 30x 0.00208; 1000 Genomes Project 0.00238.
gnomAD v4.1: 289 of 1,209,973 alleles (0.024%); highest among the groups gnomAD compares: African/African-American, 0.46%; 1 homozygote.

Submission:

PreventionGenetics, part of Exact Sciences
Classification: Likely benign for DIPK2B-related condition. Last evaluated: 2019-07-11. Review status: no assertion criteria provided. Collection method: clinical testing. Allele origin: germline.
Comment: This variant is classified as likely benign based on ACMG/AMP sequence variant interpretation guidelines (Richards et al. 2015 PMID: 25741868, with internal and published modifications).

NM_176819.4(DIPK2B):c.1096C>T (p.Leu366=)

Gene: DIPK2B (divergent protein kinase domain 2B; minus strand). Cytogenetic location: Xp11.3.
Variant type: single nucleotide variant.
Coding change: c.1096C>T on transcript NM_176819.4 (MANE Select); coding-DNA position 1096, C replaced by T.
Protein change: p.Leu366=; no amino-acid change (leucine 366 retained).
Molecular consequence: synonymous variant.
Genome position (GRCh38, 1-based): chrX:45,151,858, G>A on the plus strand (C>T on the coding strand, the complement: DIPK2B is on the minus strand). VCF-style: chrX-45151858-G-A. GRCh37 (hg19) VCF-style: chrX-45011103-G-A.
Identifiers: ClinVar variation 3050838 (VCV003050838.2), dbSNP rs201256036, ClinGen allele CA10392870.